The following is an entry in ClinVar:

ClinVar aggregate classification (germline): Pathogenic. Review status: criteria provided, multiple submitters, no conflicts (2 of 4 stars). 2 submissions from 2 submitters: Pathogenic (2). Last evaluated 2025-09-02.

Conditions:
Neuronal ceroid lipofuscinosis. Also called: Neuronal Ceroid Lipofuscinoses. Identifiers: Orphanet 216, Orphanet 79263, MedGen C0027877, MONDO:0016295. Disease mechanism: loss of function.
Neuronal ceroid lipofuscinosis 3 (CLN3). Identifiers: Orphanet 228346, MedGen C0751383, MONDO:0008767, OMIM 204200.

Allele frequency attached by ClinVar (database versions not stated): gnomAD exomes below 0.00001; ExAC 0.00001.
gnomAD v4.1: 2 of 1,613,352 alleles (0.00012%); highest among the groups gnomAD compares: Admixed American, 0.0033%; no homozygotes.

Submissions (2):

Labcorp Genetics (formerly Invitae), Labcorp
Classification: Pathogenic for Neuronal ceroid lipofuscinosis. Last evaluated: 2025-09-02. Review status: criteria provided, single submitter. Criteria: Invitae Variant Classification Sherloc (09022015). Collection method: clinical testing. Allele origin: germline.
Comment: This sequence change affects a donor splice site in intron 3 of the CLN3 gene. It is expected to disrupt RNA splicing. Variants that disrupt the donor or acceptor splice site typically lead to a loss of protein function (PMID: 16199547), and loss-of-function variants in CLN3 are known to be pathogenic (PMID: 9311735, 28542676). This variant is present in population databases (rs775616181, gnomAD 0.003%). Disruption of this splice site has been observed in individuals with retinitis pigmentosa (PMID: 24154662; internal data). ClinVar contains an entry for this variant (Variation ID: 953100). Algorithms developed to predict the effect of sequence changes on RNA splicing suggest that this variant may disrupt the consensus splice site. For these reasons, this variant has been classified as Pathogenic.

Baylor Genetics
Classification: Pathogenic for Neuronal ceroid lipofuscinosis 3. Last evaluated: 2021-11-10. Review status: criteria provided, single submitter. Criteria: ACMG Guidelines, 2015. Collection method: clinical testing. Allele origin: unknown.

Literature cited by the submitters: PubMed 16199547 (cited by Labcorp Genetics (formerly Invitae), Labcorp); PubMed 9311735 (cited by Labcorp Genetics (formerly Invitae), Labcorp); PubMed 28542676 (cited by Labcorp Genetics (formerly Invitae), Labcorp); PubMed 24154662 (cited by Labcorp Genetics (formerly Invitae), Labcorp).

NM_001042432.2(CLN3):c.125+1G>C

Gene: CLN3 (CLN3 lysosomal/endosomal transmembrane protein, battenin; minus strand). Cytogenetic location: 16p12.1.
Variant type: single nucleotide variant.
Coding change: c.125+1G>C on transcript NM_001042432.2 (MANE Select); the canonical splice donor site of the intron after coding-DNA position 125, G replaced by C.
Molecular consequence: splice donor variant. On other transcripts: intron variant (3).
Genome position (GRCh38, 1-based): chr16:28,491,481, C>G on the plus strand (G>C on the coding strand, the complement: CLN3 is on the minus strand). VCF-style: chr16-28491481-C-G. GRCh37 (hg19) VCF-style: chr16-28502802-C-G.
Other names: c.-38+233G>C (NM_001286109.2, NM_001286110.2); c.125+1G>C (NM_001286104.2, NM_000086.2); c.-96+233G>C (NM_001286105.2).
Identifiers: ClinVar variation 953100 (VCV000953100.9), dbSNP rs775616181, ClinGen allele CA7981072.